The following is an entry in ClinVar:

ClinVar aggregate classification (germline): Uncertain significance (1 of 4 stars; one submission).

gnomAD v4.1: 2 of 1,613,088 alleles (0.00012%); highest among the groups gnomAD compares: Admixed American, 0.0033%; no homozygotes.

Submission:

Labcorp Genetics (formerly Invitae), Labcorp
Classification: Uncertain significance. Last evaluated: 2021-02-03. Review status: criteria provided, single submitter. Criteria: Invitae Variant Classification Sherloc (09022015). Collection method: clinical testing. Allele origin: germline.
Comment: In summary, the available evidence is currently insufficient to determine the role of this variant in disease. Therefore, it has been classified as a Variant of Uncertain Significance. Algorithms developed to predict the effect of missense changes on protein structure and function output the following: SIFT: "Tolerated"; PolyPhen-2: "Possibly Damaging"; Align-GVGD: "Class C0". The glutamic acid amino acid residue is found in multiple mammalian species, suggesting that this missense change does not adversely affect protein function. These predictions have not been confirmed by published functional studies and their clinical significance is uncertain. This variant has not been reported in the literature in individuals with HPS6-related conditions. This variant is not present in population databases (ExAC no frequency). This sequence change replaces aspartic acid with glutamic acid at codon 774 of the HPS6 protein (p.Asp774Glu). The aspartic acid residue is weakly conserved and there is a small physicochemical difference between aspartic acid and glutamic acid.

NM_024747.6(HPS6):c.2322C>A (p.Asp774Glu)

Gene: HPS6 (HPS6 biogenesis of lysosomal organelles complex 2 subunit 3; plus strand). Cytogenetic location: 10q24.32.
Variant type: single nucleotide variant.
Coding change: c.2322C>A on transcript NM_024747.6 (MANE Select); coding-DNA position 2322, C replaced by A.
Protein change: p.Asp774Glu; replaces aspartic acid 774 with glutamic acid.
Molecular consequence: missense variant.
Genome position (GRCh38, 1-based): chr10:102,067,796, C>A. VCF-style: chr10-102067796-C-A. GRCh37 (hg19) VCF-style: chr10-103827553-C-A.
Other names: short protein forms D774E.
Identifiers: ClinVar variation 1507152 (VCV001507152.6), dbSNP rs2136335426, ClinGen allele CA377878791.